The following is an entry in ClinVar:

NM_000551.4(VHL):c.204G>C (p.Ser68=)

Gene: VHL (von Hippel-Lindau tumor suppressor; plus strand). Cytogenetic location: 3p25.3.
Variant type: single nucleotide variant.
Coding change: c.204G>C on transcript NM_000551.4 (MANE Select); coding-DNA position 204, G replaced by C.
Protein change: p.Ser68=; no amino-acid change (serine 68 retained).
Molecular consequence: synonymous variant.
Genome position (GRCh38, 1-based): chr3:10,142,051, G>C. VCF-style: chr3-10142051-G-C. GRCh37 (hg19) VCF-style: chr3-10183735-G-C.
Other names: c.204G>C, p.Ser68= (NM_001354723.2, NM_198156.3); c.204G>C (NM_000551.3).
Identifiers: ClinVar variation 1545909 (VCV001545909.10), dbSNP rs773246608, ClinGen allele CA039785.
Genomic context (GRCh38, chr3:10,142,051, plus strand): 5'-GGGCGCCGAGGAGGAGATGGAGGCCGGGCGGCCGCGGCCCGTGCTGCGCTCGGTGAACTC[G>C]CGCGAGCCCTCCCAGGTCATCTTCTGCAATCGCAGTCCGCGCGTCGTGCTGCCCGTATGG-3'
Protein context (NP_000542.1, residues 58-78): RPRPVLRSVN[Ser68=]REPSQVIFCN

ClinVar aggregate classification (germline): Benign/Likely benign. Review status: criteria provided, multiple submitters, no conflicts (2 of 4 stars). 3 submissions from 3 submitters: Benign (1); Likely benign (2). Last evaluated 2025-06-10.

Conditions:
Von Hippel-Lindau syndrome (VHLS). Also called: von Hippel–Lindau syndrome; Von Hippel-Lindau; VHL syndrome. Identifiers: Orphanet 892, MedGen C0019562, MONDO:0008667, OMIM 193300. Disease mechanism: loss of function.
Hereditary cancer-predisposing syndrome. Also called: Neoplastic Syndromes, Hereditary; Tumor predisposition; Hereditary neoplastic syndrome; Hereditary Cancer Syndrome. Identifiers: Orphanet 140162, MedGen C0027672, MeSH D009386, MONDO:0015356.
Chuvash polycythemia. Also called: POLYCYTHEMIA, VHL-DEPENDENT. Identifiers: Orphanet 238557, MedGen C1837915, MONDO:0009892, OMIM 263400.

Allele frequency attached by ClinVar (database versions not stated): gnomAD exomes below 0.00001; ExAC 0.00002.
gnomAD v4.1: 1 of 1,605,432 alleles (0.000062%); highest among the groups gnomAD compares: Admixed American, 0.0017%; no homozygotes.

Submissions (3):

Myriad Genetics, Inc.
Classification: Benign for Von Hippel-Lindau syndrome. Last evaluated: 2025-06-10. Review status: criteria provided, single submitter. Criteria: Myriad Autosomal Dominant, Autosomal Recessive and X-Linked Classification Criteria (2023). Collection method: clinical testing. Allele origin: unknown.
Comment: This variant is considered benign. This variant is a silent/synonymous amino acid change and it is not expected to impact splicing.

Ambry Genetics
Classification: Likely benign for Hereditary cancer-predisposing syndrome. Last evaluated: 2023-12-31. Review status: criteria provided, single submitter. Criteria: Ambry Variant Classification Scheme 2023. Collection method: clinical testing. Allele origin: germline.

Labcorp Genetics (formerly Invitae), Labcorp
Classification: Likely benign for Von Hippel-Lindau syndrome; Chuvash polycythemia. Last evaluated: 2021-09-27. Review status: criteria provided, single submitter. Criteria: Invitae Variant Classification Sherloc (09022015). Collection method: clinical testing. Allele origin: germline.